The following is an entry in ClinVar:

NM_005120.3(MED12):c.959T>C (p.Ile320Thr)

Gene: MED12 (mediator complex subunit 12; plus strand). Cytogenetic location: Xq13.1.
Variant type: single nucleotide variant.
Coding change: c.959T>C on transcript NM_005120.3 (MANE Select); coding-DNA position 959, T replaced by C.
Protein change: p.Ile320Thr; replaces isoleucine 320 with threonine.
Molecular consequence: missense variant.
Genome position (GRCh38, 1-based): chrX:71,121,674, T>C. VCF-style: chrX-71121674-T-C. GRCh37 (hg19) VCF-style: chrX-70341524-T-C.
Other names: c.959T>C (NM_005120.2); short protein forms I320T.
Identifiers: ClinVar variation 2902699 (VCV002902699.5), dbSNP rs2519668246, ClinGen allele CA413504783.

ClinVar aggregate classification (germline): Uncertain significance. Review status: criteria provided, multiple submitters, no conflicts (2 of 4 stars). 3 submissions from 3 submitters: Uncertain significance (3). Last evaluated 2025-03-07.

Conditions:
Familial thoracic aortic aneurysm and aortic dissection (TAAD). Also called: Thoracic aortic aneurysms and dissections. Identifiers: Orphanet 91387, MedGen C4707243, MONDO:0019625.
FG syndrome (FGS). Identifiers: MedGen C0220769, MONDO:0002010.

Allele frequency attached by ClinVar (database versions not stated): gnomAD exomes 0.00001.
gnomAD v4.1: 5 of 1,211,494 alleles (0.00041%); highest among the groups gnomAD compares: Non-Finnish European, 0.00056%; no homozygotes.

Submissions (3):

Ambry Genetics
Classification: Uncertain significance for Familial thoracic aortic aneurysm and aortic dissection. Last evaluated: 2025-03-07. Review status: criteria provided, single submitter. Criteria: Ambry Variant Classification Scheme 2023. Collection method: clinical testing. Allele origin: germline.

Labcorp Genetics (formerly Invitae), Labcorp
Classification: Uncertain significance for FG syndrome. Last evaluated: 2024-11-04. Review status: criteria provided, single submitter. Criteria: Invitae Variant Classification Sherloc (09022015). Collection method: clinical testing. Allele origin: germline.
Comment: This sequence change replaces isoleucine, which is neutral and non-polar, with threonine, which is neutral and polar, at codon 320 of the MED12 protein (p.Ile320Thr). This variant is not present in population databases (gnomAD no frequency). This variant has not been reported in the literature in individuals affected with MED12-related conditions. ClinVar contains an entry for this variant (Variation ID: 2902699). Invitae Evidence Modeling of protein sequence and biophysical properties (such as structural, functional, and spatial information, amino acid conservation, physicochemical variation, residue mobility, and thermodynamic stability) indicates that this missense variant is not expected to disrupt MED12 protein function with a negative predictive value of 95%. In summary, the available evidence is currently insufficient to determine the role of this variant in disease. Therefore, it has been classified as a Variant of Uncertain Significance.

Blueprint Genetics
Classification: Uncertain significance. Last evaluated: 2020-11-11. Review status: criteria provided, single submitter. Criteria: ACMG Guidelines, 2015. Collection method: clinical testing. Allele origin: germline.